The following is an entry in ClinVar:

ClinVar aggregate classification (germline): Likely benign. Review status: criteria provided, multiple submitters, no conflicts (2 of 4 stars). 3 submissions from 3 submitters: Likely benign (3). Last evaluated 2025-07-14.

Conditions:
Inborn genetic diseases. Identifiers: MedGen C0950123, MeSH D030342.
Charcot-Marie-Tooth disease dominant intermediate B (CMTDIB). Also called: CHARCOT-MARIE-TOOTH NEUROPATHY, DOMINANT INTERMEDIATE B; Charcot-Marie-Tooth disease dominant intermediate 1; CMT DI1; Charcot-Marie-Tooth disease dominant intermediate I. Identifiers: Orphanet 100044, Orphanet 228179, MedGen C1847902, MONDO:0011674, OMIM 606482.

Allele frequency attached by ClinVar (database versions not stated): TOPMed 0.00004; gnomAD exomes 0.00005 and 0.00006; ExAC 0.00013; 1000 Genomes Project 30x 0.00016; 1000 Genomes Project 0.00020.
gnomAD v4.1: 85 of 1,523,932 alleles (0.0056%); highest among the groups gnomAD compares: Non-Finnish European, 0.0074%; no homozygotes.

Submissions (3):

Labcorp Genetics (formerly Invitae), Labcorp
Classification: Likely benign for Charcot-Marie-Tooth disease dominant intermediate B. Last evaluated: 2025-07-14. Review status: criteria provided, single submitter. Criteria: Invitae Variant Classification Sherloc (09022015). Collection method: clinical testing. Allele origin: germline.

Ambry Genetics
Classification: Likely benign for Inborn genetic diseases. Last evaluated: 2019-07-11. Review status: criteria provided, single submitter. Criteria: Ambry Variant Classification Scheme 2023. Collection method: clinical testing. Allele origin: germline.

GeneDx
Classification: Likely benign. Last evaluated: 2016-12-12. Review status: criteria provided, single submitter. Criteria: GeneDx Variant Classification (06012015). Collection method: clinical testing. Allele origin: germline. Affected: yes.
Comment: This variant is considered likely benign or benign based on one or more of the following criteria: it is a conservative change, it occurs at a poorly conserved position in the protein, it is predicted to be benign by multiple in silico algorithms, and/or has population frequency not consistent with disease.

NM_001005361.3(DNM2):c.102C>A (p.Ile34=)

Genes: DNM2 (dynamin 2; plus strand), LOC130063529 (ATAC-STARR-seq lymphoblastoid silent region 10090; plus strand). Cytogenetic location: 19p13.2.
Variant type: single nucleotide variant.
Coding change: c.102C>A on transcript NM_001005361.3 (MANE Select); coding-DNA position 102, C replaced by A.
Protein change: p.Ile34=; no amino-acid change (isoleucine 34 retained).
Molecular consequence: synonymous variant.
Genome position (GRCh38, 1-based): chr19:10,718,344, C>A. VCF-style: chr19-10718344-C-A. GRCh37 (hg19) VCF-style: chr19-10829020-C-A.
Other names: c.102C>A, p.Ile34= (NM_001005360.3, NM_001005362.3, NM_001190716.2 and 1 more transcripts).
Identifiers: ClinVar variation 391529 (VCV000391529.12), dbSNP rs552741402, ClinGen allele CA9200679.